The following is an entry in ClinVar:

ClinVar aggregate classification (germline): Uncertain significance. Review status: criteria provided, multiple submitters, no conflicts (2 of 4 stars). 2 submissions from 2 submitters: Uncertain significance (2). Last evaluated 2024-08-23.

Conditions:
Cardiovascular phenotype. Identifiers: MedGen CN230736.

Allele frequency attached by ClinVar (database versions not stated): gnomAD exomes below 0.00001; TOPMed below 0.00001.
gnomAD v4.1: 2 of 1,613,358 alleles (0.00012%); highest among the groups gnomAD compares: South Asian, 0.0011%; no homozygotes.

Submissions (2):

Ambry Genetics
Classification: Uncertain significance for Cardiovascular phenotype. Last evaluated: 2024-08-23. Review status: criteria provided, single submitter. Criteria: Ambry Variant Classification Scheme 2023. Collection method: clinical testing. Allele origin: germline.
Comment: The p.E307K variant (also known as c.919G>A), located in coding exon 2 of the JPH2 gene, results from a G to A substitution at nucleotide position 919. The glutamic acid at codon 307 is replaced by lysine, an amino acid with similar properties. This amino acid position is conserved. In addition, this alteration is predicted to be tolerated by in silico analysis. Since supporting evidence is limited at this time, the clinical significance of this alteration remains unclear.

GeneDx
Classification: Uncertain significance. Last evaluated: 2022-03-17. Review status: criteria provided, single submitter. Criteria: GeneDx Variant Classification Process June 2021. Collection method: clinical testing. Allele origin: germline. Affected: yes.
Comment: Has not been previously published as pathogenic or benign to our knowledge; Not observed at significant frequency in large population cohorts (gnomAD); In silico analysis supports that this missense variant has a deleterious effect on protein structure/function

NM_020433.5(JPH2):c.919G>A (p.Glu307Lys)

Gene: JPH2 (junctophilin 2; minus strand). Cytogenetic location: 20q13.12.
Variant type: single nucleotide variant.
Coding change: c.919G>A on transcript NM_020433.5 (MANE Select); coding-DNA position 919, G replaced by A.
Protein change: p.Glu307Lys; replaces glutamic acid 307 with lysine.
Molecular consequence: missense variant.
Genome position (GRCh38, 1-based): chr20:44,159,868, C>T on the plus strand (G>A on the coding strand, the complement: JPH2 is on the minus strand). VCF-style: chr20-44159868-C-T. GRCh37 (hg19) VCF-style: chr20-42788508-C-T.
Other names: short protein forms E307K.
Identifiers: ClinVar variation 432968 (VCV000432968.7), dbSNP rs866434937, ClinGen allele CA314629318.